The following is an entry in ClinVar:

ClinVar aggregate classification (germline): Uncertain significance (1 of 4 stars; one submission).

Conditions:
NEO1-related disorder. Also called: NEO1-related condition.

Submission:

PreventionGenetics, part of Exact Sciences
Classification: Uncertain significance for NEO1-related condition. Last evaluated: 2025-04-14. Review status: criteria provided, single submitter. Criteria: ACMG Guidelines, 2015. Collection method: clinical testing. Allele origin: germline.
Comment: The NEO1 c.3649+3A>G variant is predicted to interfere with splicing. This variant is predicted to alter splicing based on available splicing prediction programs (SpliceAI, Jaganathan et al. 2019. PubMed ID: 30661751). To our knowledge, this variant has not been reported in the literature or in a large population database (gnomAD), indicating this variant is rare. At this time, the clinical significance of this variant is uncertain due to the absence of conclusive functional and genetic evidence.

NM_002499.4(NEO1):c.3649+3A>G

Gene: NEO1 (neogenin 1; plus strand). Cytogenetic location: 15q24.1.
Variant type: single nucleotide variant.
Coding change: c.3649+3A>G on transcript NM_002499.4 (MANE Select); 3 bases into the intron after coding-DNA position 3649, A replaced by G.
Molecular consequence: intron variant.
Genome position (GRCh38, 1-based): chr15:73,288,554, A>G. VCF-style: chr15-73288554-A-G. GRCh37 (hg19) VCF-style: chr15-73580895-A-G.
Other names: c.3616+3A>G (NM_001172624.2); c.3709+3A>G (NM_001419531.1); c.3649+3A>G (NM_001172623.2).
Identifiers: ClinVar variation 4984273 (VCV004984273.1).